The following is an entry in ClinVar:

ClinVar aggregate classification (germline): Uncertain significance. Review status: criteria provided, multiple submitters, no conflicts (2 of 4 stars). 5 submissions from 5 submitters: Uncertain significance (4). 1 of the submissions does not count toward it. Last evaluated 2024-11-21.

Conditions:
Congenital stationary night blindness 1C. Also called: Night blindness, congenital stationary (complete), 1C, autosomal recessive. Identifiers: Orphanet 215, MedGen C2750747, MONDO:0013183, OMIM 613216.
Inborn genetic diseases. Identifiers: MedGen C0950123, MeSH D030342.

Allele frequency attached by ClinVar (database versions not stated): gnomAD 0.00001 and 0.00003; ExAC 0.00003; TOPMed 0.00005; gnomAD exomes 0.00006 and 0.00010; ESP Exome Variant Server 0.00008.
gnomAD v4.1: 153 of 1,614,060 alleles (0.0095%); highest among the groups gnomAD compares: Middle Eastern, 0.049%; no homozygotes.

Submissions (5):

Blueprint Genetics
Classification: Uncertain significance. Last evaluated: 2024-11-21. Review status: criteria provided, single submitter. Criteria: ACMG Guidelines, 2015. Collection method: clinical testing. Allele origin: germline.

Labcorp Genetics (formerly Invitae), Labcorp
Classification: Uncertain significance. Last evaluated: 2024-02-24. Review status: criteria provided, single submitter. Criteria: Invitae Variant Classification Sherloc (09022015). Collection method: clinical testing. Allele origin: germline.
Comment: This sequence change replaces serine, which is neutral and polar, with isoleucine, which is neutral and non-polar, at codon 1115 of the TRPM1 protein (p.Ser1115Ile). This variant is present in population databases (rs375136665, gnomAD 0.01%). This variant has not been reported in the literature in individuals affected with TRPM1-related conditions. ClinVar contains an entry for this variant (Variation ID: 438667). Advanced modeling of protein sequence and biophysical properties (such as structural, functional, and spatial information, amino acid conservation, physicochemical variation, residue mobility, and thermodynamic stability) performed at Invitae indicates that this missense variant is not expected to disrupt TRPM1 protein function with a negative predictive value of 80%. In summary, the available evidence is currently insufficient to determine the role of this variant in disease. Therefore, it has been classified as a Variant of Uncertain Significance.

Ambry Genetics
Classification: Uncertain significance for Inborn genetic diseases. Last evaluated: 2022-11-10. Review status: criteria provided, single submitter. Criteria: Ambry Variant Classification Scheme 2023. Collection method: clinical testing. Allele origin: germline.

Breakthrough Genomics
Classification: Uncertain significance. Review status: criteria provided, single submitter. Criteria: ACMG Guidelines, 2015. Collection method: not provided. Allele origin: germline. Inheritance: Unknown mechanism. Affected: yes.

Bioscientia Institut fuer Medizinische Diagnostik GmbH, Sonic Healthcare
Classification: Uncertain significance for Congenital stationary night blindness 1C. Last evaluated: 2017-04-20. Review status: no assertion criteria provided. Collection method: clinical testing. Allele origin: germline. Affected: yes. Not counted in ClinVar's aggregate classification.

NM_001252024.2(TRPM1):c.3410G>T (p.Ser1137Ile)

Genes: TRPM1 (transient receptor potential cation channel subfamily M member 1; minus strand), TRPM1-AS1 (TRPM1 antisense RNA 1; plus strand), LOC126862088 (BRD4-independent group 4 enhancer GRCh37_chr15:31318084-31319283; plus strand). Cytogenetic location: 15q13.3.
Variant type: single nucleotide variant.
Coding change: c.3410G>T on transcript NM_001252024.2 (MANE Select); coding-DNA position 3410, G replaced by T.
Protein change: p.Ser1137Ile; replaces serine 1137 with isoleucine.
Molecular consequence: missense variant.
Genome position (GRCh38, 1-based): chr15:31,027,001, C>A on the plus strand (G>T on the coding strand, the complement: TRPM1 is on the minus strand). VCF-style: chr15-31027001-C-A. GRCh37 (hg19) VCF-style: chr15-31319204-C-A.
Other names: c.3344G>T (NM_002420.4); c.3461G>T, p.Ser1154Ile (NM_001252020.2); c.3344G>T, p.Ser1115Ile (NM_002420.6); short protein forms S1115I, S1154I, S1137I.
Identifiers: ClinVar variation 438667 (VCV000438667.10), dbSNP rs375136665, ClinGen allele CA7451891.
Genomic context (GRCh38, chr15:31,027,001, plus strand): 5'-TCCCCTTCTCTCTTTTTCCTGCAGCGGCCGCTGAGACGCATAATGATGATGTAGATGTGG[C>A]TTAAAATGATCATCGGTGGGGGCAGGACTGGCCTGTCATGAAATGTCATAATCAGCTGAT-3'
Protein context (NP_001238953.1, residues 1127-1147): PVLPPPMIIL[Ser1137Ile]HIYIIIMRLS